The following is an entry in ClinVar:

ClinVar aggregate classification (germline): Pathogenic. Review status: reviewed by expert panel (3 of 4 stars). 7 submissions from 7 submitters: Pathogenic (1). 6 of the submissions do not count toward it. Last evaluated 2016-09-08.

Conditions:
Hereditary cancer-predisposing syndrome. Also called: Hereditary Cancer Syndrome; Hereditary neoplastic syndrome; Neoplastic Syndromes, Hereditary; Tumor predisposition. Identifiers: Orphanet 140162, MedGen C0027672, MeSH D009386, MONDO:0015356.
Hereditary breast ovarian cancer syndrome. Also called: BRCA1- and BRCA2-Associated Hereditary Breast and Ovarian Cancer; Hereditary breast and ovarian cancer syndrome; Hereditary breast and ovarian cancer syndrome (HBOC); Breast and ovarian cancer; Hereditary breast and/or ovarian cancer syndrome; Hereditary breast and ovarian cancer. Identifiers: Orphanet 145, MedGen C0677776, MeSH D061325, MONDO:0003582. Disease mechanism: loss of function.
Breast-ovarian cancer, familial, susceptibility to, 1 (BROVCA1). Also called: BRCA1 Hereditary Breast and Ovarian Cancer; OVARIAN CANCER, SUSCEPTIBILITY TO. Identifiers: Orphanet 145, MedGen C2676676, MONDO:0011450, OMIM 604370. Disease mechanism: loss of function.

Submissions (7):

Evidence-based Network for the Interpretation of Germline Mutant Alleles (ENIGMA)
Classification: Pathogenic for Breast-ovarian cancer, familial, susceptibility to, 1. Last evaluated: 2016-09-08. Review status: reviewed by expert panel. Criteria: ENIGMA BRCA1/2 Classification Criteria (2015). Collection method: curation. Allele origin: germline.
Comment: Variant allele predicted to encode a truncated non-functional protein.

Ambry Genetics
Classification: Pathogenic for Hereditary cancer-predisposing syndrome. Last evaluated: 2025-08-27. Review status: criteria provided, single submitter. Criteria: Ambry Variant Classification Scheme 2023. Collection method: clinical testing. Allele origin: germline. Not counted in ClinVar's aggregate classification.
Comment: The p.Q139* pathogenic mutation (also known as c.415C>T), located in coding exon 5 of the BRCA1 gene, results from a C to T substitution at nucleotide position 415. This changes the amino acid from a glutamine to a stop codon within coding exon 5. This variant is considered to be rare based on population cohorts in the Genome Aggregation Database (gnomAD). This alteration is expected to result in loss of function by premature protein truncation or nonsense-mediated mRNA decay. As such, this alteration is interpreted as a disease-causing mutation.

Quest Diagnostics Nichols Institute San Juan Capistrano
Classification: Pathogenic. Last evaluated: 2025-03-11. Review status: criteria provided, single submitter. Criteria: Quest Diagnostics criteria. Collection method: clinical testing. Allele origin: unknown. Not counted in ClinVar's aggregate classification.
Comment: The BRCA1 c.415C>T (p.Gln139*) variant causes the premature termination of BRCA1 protein synthesis. This variant has been reported in the published literature in individuals with breast cancer (PMIDs: 36099913 (2022), 26976419 (2016)) and/or a family history of breast cancer (PMID: 35464868 (2022)). This variant has not been reported in large, multi-ethnic general populations (Genome Aggregation Database). Based on the available information, this variant is classified as pathogenic.

Labcorp Genetics (formerly Invitae), Labcorp
Classification: Pathogenic for Hereditary breast ovarian cancer syndrome. Last evaluated: 2025-01-23. Review status: criteria provided, single submitter. Criteria: Invitae Variant Classification Sherloc (09022015). Collection method: clinical testing. Allele origin: germline. Not counted in ClinVar's aggregate classification.
Comment: This sequence change creates a premature translational stop signal (p.Gln139*) in the BRCA1 gene. It is expected to result in an absent or disrupted protein product. Loss-of-function variants in BRCA1 are known to be pathogenic (PMID: 20104584). This variant is not present in population databases (gnomAD no frequency). This premature translational stop signal has been observed in individual(s) with breast cancer (PMID: 26976419). ClinVar contains an entry for this variant (Variation ID: 55114). For these reasons, this variant has been classified as Pathogenic.

National Health Laboratory Service, Universitas Academic Hospital and University of the Free State
Classification: Pathogenic for Hereditary breast ovarian cancer syndrome. Last evaluated: 2021-11-16. Review status: criteria provided, single submitter. Criteria: ACMG Guidelines, 2015. Collection method: clinical testing. Allele origin: germline. Affected: yes. Observed: 1 variant allele. Not counted in ClinVar's aggregate classification.

Consortium of Investigators of Modifiers of BRCA1/2 (CIMBA), c/o University of Cambridge
Classification: Pathogenic for Breast-ovarian cancer, familial, susceptibility to, 1. Last evaluated: 2015-10-02. Review status: criteria provided, single submitter. Criteria: CIMBA Mutation Classification guidelines May 2016. Collection method: clinical testing. Allele origin: germline. Not counted in ClinVar's aggregate classification.

Breast Cancer Information Core (BIC) (BRCA1)
Classification: Pathogenic for Breast-ovarian cancer, familial 1. Last evaluated: 2003-12-23. Review status: no assertion criteria provided. Collection method: clinical testing. Allele origin: germline. Affected: yes. Observed: 1 variant allele. Not counted in ClinVar's aggregate classification.

Literature cited by the submitters: PubMed 26976419 (cited by 3 submitters); PubMed 35464868 (cited by Quest Diagnostics Nichols Institute San Juan Capistrano); PubMed 36099913 (cited by Quest Diagnostics Nichols Institute San Juan Capistrano); PubMed 20104584 (cited by Labcorp Genetics (formerly Invitae), Labcorp); DOI 10.3389/fgene.2022.834265 (cited by National Health Laboratory Service, Universitas Academic Hospital and University of the Free State).

NM_007294.4(BRCA1):c.415C>T (p.Gln139Ter)

Gene: BRCA1 (BRCA1 DNA repair associated; minus strand). Cytogenetic location: 17q21.31.
Variant type: single nucleotide variant.
Coding change: c.415C>T on transcript NM_007294.4 (MANE Select); coding-DNA position 415, C replaced by T.
Protein change: p.Gln139Ter; replaces glutamine 139 with a stop codon.
Molecular consequence: nonsense. On other transcripts: non-coding transcript variant (1).
Genome position (GRCh38, 1-based): chr17:43,104,148, G>A on the plus strand (C>T on the coding strand, the complement: BRCA1 is on the minus strand). VCF-style: chr17-43104148-G-A. GRCh37 (hg19) VCF-style: chr17-41256165-G-A.
Other names: NP_009225.1:p.Gln139Ter; c.205C>T, p.Gln69Ter (NM_001407571.1, NM_001407853.1, NM_001407879.1 and 58 more transcripts); c.415C>T, p.Gln139Ter (NM_001407581.1, NM_001407582.1, NM_001407583.1 and 165 more transcripts); c.406C>T, p.Gln136Ter (NM_001407646.1, NM_001407647.1, NM_001408408.1); c.337C>T, p.Gln113Ter (NM_001407653.1, NM_001407654.1, NM_001407655.1 and 21 more transcripts); c.274C>T, p.Gln92Ter (NM_001407692.1, NM_001407694.1, NM_001407695.1 and 99 more transcripts); c.34C>T, p.Gln12Ter (NM_001407959.1, NM_001407960.1, NM_001407962.1 and 4 more transcripts); c.283C>T, p.Gln95Ter (NM_001408451.1); short protein forms Q139*, Q92*, Q95*, Q113*, Q69*, Q12*, Q136*.
Identifiers: ClinVar variation 55114 (VCV000055114.37), dbSNP rs80357372, ClinGen allele CA002660.